The following is an entry in ClinVar:

NM_001160372.4(TRAPPC9):c.2474G>A (p.Arg825Gln)

Gene: TRAPPC9 (trafficking protein particle complex subunit 9; minus strand). Cytogenetic location: 8q24.3.
Variant type: single nucleotide variant.
Coding change: c.2474G>A on transcript NM_001160372.4 (MANE Select); coding-DNA position 2474, G replaced by A.
Protein change: p.Arg825Gln; replaces arginine 825 with glutamine.
Molecular consequence: missense variant. On other transcripts: non-coding transcript variant (1).
Genome position (GRCh38, 1-based): chr8:140,221,541, C>T on the plus strand (G>A on the coding strand, the complement: TRAPPC9 is on the minus strand). VCF-style: chr8-140221541-C-T. GRCh37 (hg19) VCF-style: chr8-141231640-C-T.
Other names: c.2447G>A, p.Arg816Gln (NM_001321646.2); c.2495G>A, p.Arg832Gln (NM_001374682.1); c.2474G>A, p.Arg825Gln (NM_001374683.1, NM_031466.8); c.2330G>A, p.Arg777Gln (NM_001374684.1); c.2768G>A (NM_031466.5); short protein forms R777Q, R816Q, R825Q, R832Q.
Identifiers: ClinVar variation 3336514 (VCV003336514.2).
Genomic context (GRCh38, chr8:140,221,541, plus strand): 5'-GCTTTGTTGCTCTCGGGTGGGTTCACAGGTTTGCCCTCCACTCGGGGCCGAACGACCTGC[C>T]GAAAAGGACTGGACAGGGGAAAGCCACTCACACTGATTCCATCTACAAAATAAGAACAAA-3'
Protein context (NP_001153844.1, residues 815-835): VSGFPLSSPF[Arg825Gln]QVVRPRVEGK

ClinVar aggregate classification (germline): Uncertain significance. Review status: criteria provided, multiple submitters, no conflicts (2 of 4 stars). 2 submissions from 2 submitters: Uncertain significance (2). Last evaluated 2024-12-09.

Conditions:
Inborn genetic diseases. Identifiers: MedGen C0950123, MeSH D030342.

gnomAD v4.1: 71 of 1,613,960 alleles (0.0044%); highest among the groups gnomAD compares: African/African-American, 0.0053%; no homozygotes.

Submissions (2):

Ambry Genetics
Classification: Uncertain significance for Inborn genetic diseases. Last evaluated: 2024-12-09. Review status: criteria provided, single submitter. Criteria: Ambry Variant Classification Scheme 2023. Collection method: clinical testing. Allele origin: germline.

Women's Health and Genetics/Laboratory Corporation of America, LabCorp
Classification: Uncertain significance. Last evaluated: 2024-05-17. Review status: criteria provided, single submitter. Criteria: LabCorp Variant Classification Summary - May 2015. Collection method: clinical testing. Allele origin: germline.
Comment: Variant summary: TRAPPC9 c.2474G>A (p.Arg825Gln) results in a conservative amino acid change in the encoded protein sequence. Three of five in-silico tools predict a benign effect of the variant on protein function. The variant allele was found at a frequency of 1.6e-05 in 251460 control chromosomes. The available data on variant occurrences in the general population are insufficient to allow any conclusion about variant significance. To our knowledge, no occurrence of c.2474G>A in individuals affected with Intellectual Disability, Autosomal Recessive 13 and no experimental evidence demonstrating its impact on protein function have been reported. No submitters have cited clinical-significance assessments for this variant to ClinVar. Based on the evidence outlined above, the variant was classified as uncertain significance.